The following is an entry in ClinVar:

NM_015330.6(SPECC1L):c.698C>T (p.Ala233Val)

Genes: SPECC1L (sperm antigen with calponin homology and coiled-coil domains 1 like; plus strand), SPECC1L-ADORA2A (SPECC1L-ADORA2A readthrough (NMD candidate); plus strand). Cytogenetic location: 22q11.23.
Variant type: single nucleotide variant.
Coding change: c.698C>T on transcript NM_015330.6 (MANE Select); coding-DNA position 698, C replaced by T.
Protein change: p.Ala233Val; replaces alanine 233 with valine.
Molecular consequence: missense variant. On other transcripts: non-coding transcript variant (1).
Genome position (GRCh38, 1-based): chr22:24,321,678, C>T. VCF-style: chr22-24321678-C-T. GRCh37 (hg19) VCF-style: chr22-24717646-C-T.
Other names: c.698C>T, p.Ala233Val (NM_001145468.4, NM_001254732.3); short protein forms A233V.
Identifiers: ClinVar variation 2993238 (VCV002993238.3), dbSNP rs2040726432, ClinGen allele CA410965808.

ClinVar aggregate classification (germline): Uncertain significance (1 of 4 stars; one submission).

Allele frequency attached by ClinVar (database versions not stated): gnomAD 0.00001; gnomAD exomes 0.00001; TOPMed 0.00001.
gnomAD v4.1: 4 of 1,614,114 alleles (0.00025%); highest among the groups gnomAD compares: Non-Finnish European, 0.00034%; no homozygotes.

Submission:

Labcorp Genetics (formerly Invitae), Labcorp
Classification: Uncertain significance. Last evaluated: 2023-12-07. Review status: criteria provided, single submitter. Criteria: Invitae Variant Classification Sherloc (09022015). Collection method: clinical testing. Allele origin: germline.
Comment: This sequence change replaces alanine, which is neutral and non-polar, with valine, which is neutral and non-polar, at codon 233 of the SPECC1L protein (p.Ala233Val). This variant is not present in population databases (gnomAD no frequency). This variant has not been reported in the literature in individuals affected with SPECC1L-related conditions. Algorithms developed to predict the effect of missense changes on protein structure and function output the following: SIFT: "Not Available"; PolyPhen-2: "Benign"; Align-GVGD: "Not Available". The valine amino acid residue is found in multiple mammalian species, which suggests that this missense change does not adversely affect protein function. In summary, the available evidence is currently insufficient to determine the role of this variant in disease. Therefore, it has been classified as a Variant of Uncertain Significance.